The following is an entry in ClinVar:

ClinVar aggregate classification (germline): Uncertain significance (1 of 4 stars; one submission).

Conditions:
Peroxisome biogenesis disorder 7A (Zellweger). Also called: Peroxisome biogenesis disorder 7A. Identifiers: Orphanet 912, MedGen C3888385, MONDO:0013938, OMIM 614872.
Peroxisome biogenesis disorder 7B (PBD7B). Identifiers: Orphanet 44, MedGen C3553951, MONDO:0013939, OMIM 614873.

Allele frequency attached by ClinVar (database versions not stated): TOPMed 0.00001.
gnomAD v4.1: 99 of 1,578,526 alleles (0.0063%); highest among the groups gnomAD compares: Non-Finnish European, 0.0083%; no homozygotes.

Submission:

Labcorp Genetics (formerly Invitae), Labcorp
Classification: Uncertain significance for Peroxisome biogenesis disorder 7A (Zellweger); Peroxisome biogenesis disorder 7B. Last evaluated: 2022-07-05. Review status: criteria provided, single submitter. Criteria: Invitae Variant Classification Sherloc (09022015). Collection method: clinical testing. Allele origin: germline.
Comment: This sequence change replaces arginine, which is basic and polar, with glutamine, which is neutral and polar, at codon 52 of the PEX26 protein (p.Arg52Gln). The frequency data for this variant in the population databases is considered unreliable, as metrics indicate poor data quality at this position in the gnomAD database. This variant has not been reported in the literature in individuals affected with PEX26-related conditions. ClinVar contains an entry for this variant (Variation ID: 1047020). Algorithms developed to predict the effect of missense changes on protein structure and function (SIFT, PolyPhen-2, Align-GVGD) all suggest that this variant is likely to be tolerated. Algorithms developed to predict the effect of sequence changes on RNA splicing suggest that this variant may create or strengthen a splice site. In summary, the available evidence is currently insufficient to determine the role of this variant in disease. Therefore, it has been classified as a Variant of Uncertain Significance.

NM_001127649.3(PEX26):c.155G>A (p.Arg52Gln)

Gene: PEX26 (peroxisomal biogenesis factor 26; plus strand). Cytogenetic location: 22q11.21.
Variant type: single nucleotide variant.
Coding change: c.155G>A on transcript NM_001127649.3 (MANE Select); coding-DNA position 155, G replaced by A.
Protein change: p.Arg52Gln; replaces arginine 52 with glutamine.
Molecular consequence: missense variant.
Genome position (GRCh38, 1-based): chr22:18,078,531, G>A. VCF-style: chr22-18078531-G-A. GRCh37 (hg19) VCF-style: chr22-18561297-G-A.
Other names: c.155G>A, p.Arg52Gln (NM_001199319.2, NM_017929.6); short protein forms R52Q.
Identifiers: ClinVar variation 1047020 (VCV001047020.4), dbSNP rs746924588, ClinGen allele CA10093233.